The following is an entry in ClinVar:

NM_002473.6(MYH9):c.3942+5G>A

Gene: MYH9 (myosin heavy chain 9; minus strand). Cytogenetic location: 22q12.3.
Variant type: single nucleotide variant.
Coding change: c.3942+5G>A on transcript NM_002473.6 (MANE Select); 5 bases into the intron after coding-DNA position 3942, G replaced by A.
Molecular consequence: intron variant.
Genome position (GRCh38, 1-based): chr22:36,293,754, C>T on the plus strand (G>A on the coding strand, the complement: MYH9 is on the minus strand). VCF-style: chr22-36293754-C-T. GRCh37 (hg19) VCF-style: chr22-36689800-C-T.
Other names: c.3942+5G>A (NM_002473.5).
Identifiers: ClinVar variation 507628 (VCV000507628.13), dbSNP rs775695035, ClinGen allele CA323591193.

ClinVar aggregate classification (germline): Conflicting classifications of pathogenicity. Review status: criteria provided, conflicting classifications (1 of 4 stars). 5 submissions from 5 submitters: Uncertain significance (3); Likely benign (1). 1 of the submissions does not count toward it. Last evaluated 2026-10-01.

Conditions:
Macrothrombocytopenia and granulocyte inclusions with or without nephritis or sensorineural hearing loss (MATINS). Also called: DOHLE LEUKOCYTE INCLUSIONS WITH GIANT PLATELETS; MACROTHROMBOCYTOPENIA WITH LEUKOCYTE INCLUSIONS; BLEEDING DISORDER, PLATELET-TYPE, 6; SEBASTIAN PLATELET SYNDROME; MACROTHROMBOCYTOPENIA WITH DISPERSED LEUKOCYTIC INCLUSIONS; MACROTHROMBOCYTOPENIA, NEPHRITIS, AND DEAFNESS. Identifiers: Orphanet 182050, MedGen C5200934, MONDO:0015912, OMIM 155100.
Autosomal dominant nonsyndromic hearing loss 17. Also called: Autosomal dominant nonsyndromic deafness 17; Deafness, autosomal dominant 17. Identifiers: Orphanet 90635, MedGen C1863659, MONDO:0011350, OMIM 603622.
MYH9-related disorder. Identifiers: MedGen C1854520.

Allele frequency attached by ClinVar (database versions not stated): TOPMed 0.00001.
gnomAD v4.1: 16 of 1,613,268 alleles (0.00099%); highest among the groups gnomAD compares: Admixed American, 0.025%; no homozygotes.

Submissions (5):

St. Jude Molecular Pathology, St. Jude Children's Research Hospital
Classification: Uncertain significance for Macrothrombocytopenia and granulocyte inclusions with or without nephritis or sensorineural hearing loss. Last evaluated: 2026-10-01. Review status: criteria provided, single submitter. Criteria: St. Jude Assertion Criteria 2020. Collection method: clinical testing. Allele origin: germline.
Comment: The MYH9 c.3942+5G>A intronic change results in a G to A substitution at the +5 position of intro n 29 of the MYH9 gene. Algorithms that predict the impact of sequence changes on splicing are inconclusive. This variant has a maximum subpopulation frequency of 0.03% in gnomAD v2.1.1. To our knowledge, this variant has not been reported in the literature in individuals with MYH9-related disease. In summary, the evidence currently available is insufficient to determine the clinical significance of this variant. It has therefore been classified as of uncertain signif icance (VUS-Low).

Labcorp Genetics (formerly Invitae), Labcorp
Classification: Uncertain significance. Last evaluated: 2025-12-17. Review status: criteria provided, single submitter. Criteria: Invitae Variant Classification Sherloc (09022015). Collection method: clinical testing. Allele origin: germline.
Comment: This sequence change falls in intron 29 of the MYH9 gene. It does not directly change the encoded amino acid sequence of the MYH9 protein. It affects a nucleotide within the consensus splice site. This variant is present in population databases (no rsID available, gnomAD 0.03%). This variant has not been reported in the literature in individuals affected with MYH9-related conditions. ClinVar contains an entry for this variant (Variation ID: 507628). Variants that disrupt the consensus splice site are a relatively common cause of aberrant splicing (PMID: 17576681, 9536098). Algorithms developed to predict the effect of sequence changes on RNA splicing suggest that this variant is not likely to affect RNA splicing. In summary, the available evidence is currently insufficient to determine the role of this variant in disease. Therefore, it has been classified as a Variant of Uncertain Significance.

Fulgent Genetics
Classification: Uncertain significance for Macrothrombocytopenia and granulocyte inclusions with or without nephritis or sensorineural hearing loss; Autosomal dominant nonsyndromic hearing loss 17. Last evaluated: 2024-04-11. Review status: criteria provided, single submitter. Criteria: ACMG Guidelines, 2015. Collection method: clinical testing. Allele origin: germline.

GeneDx
Classification: Likely benign. Last evaluated: 2020-04-06. Review status: criteria provided, single submitter. Criteria: GeneDx Variant Classification Process June 2021. Collection method: clinical testing. Allele origin: germline. Affected: yes.

PreventionGenetics, part of Exact Sciences
Classification: Likely benign for MYH9-related condition. Last evaluated: 2020-10-14. Review status: no assertion criteria provided. Collection method: clinical testing. Allele origin: germline. Not counted in ClinVar's aggregate classification.
Comment: This variant is classified as likely benign based on ACMG/AMP sequence variant interpretation guidelines (Richards et al. 2015 PMID: 25741868, with internal and published modifications).

Literature cited by the submitters: PubMed 17576681 (cited by Labcorp Genetics (formerly Invitae), Labcorp); PubMed 9536098 (cited by Labcorp Genetics (formerly Invitae), Labcorp).